The following is an entry in ClinVar:

NM_000543.5(SMPD1):c.442T>C (p.Trp148Arg)

Gene: SMPD1 (sphingomyelin phosphodiesterase 1; plus strand). Cytogenetic location: 11p15.4.
Variant type: single nucleotide variant.
Coding change: c.442T>C on transcript NM_000543.5 (MANE Select); coding-DNA position 442, T replaced by C.
Protein change: p.Trp148Arg; replaces tryptophan 148 with arginine.
Molecular consequence: missense variant. On other transcripts: 5 prime UTR variant (1), non-coding transcript variant (1).
Genome position (GRCh38, 1-based): chr11:6,391,507, T>C. VCF-style: chr11-6391507-T-C. GRCh37 (hg19) VCF-style: chr11-6412737-T-C.
Other names: c.439T>C, p.Trp147Arg (NM_001007593.3); c.442T>C, p.Trp148Arg (NM_001318087.2, NM_001365135.2); c.-520T>C (NM_001318088.2); short protein forms W147R, W148R.
Identifiers: ClinVar variation 3896260 (VCV003896260.3).

ClinVar aggregate classification (germline): Uncertain significance. Review status: criteria provided, multiple submitters, no conflicts (2 of 4 stars). 2 submissions from 2 submitters: Uncertain significance (2). Last evaluated 2025-11-25.

Conditions:
Acid sphingomyelinase deficiency. Identifiers: Orphanet 618899, MedGen C5243927, MONDO:0100464.

gnomAD v4.1: 1 of 1,614,064 alleles (0.000062%); highest among the groups gnomAD compares: Non-Finnish European, 0.000085%; no homozygotes.

Submissions (2):

Myriad Genetics, Inc.
Classification: Uncertain significance for Acid sphingomyelinase deficiency. Last evaluated: 2025-11-25. Review status: criteria provided, single submitter. Criteria: Myriad Autosomal Dominant, Autosomal Recessive and X-Linked Classification Criteria (2023). Collection method: clinical testing. Allele origin: unknown.
Comment: NM_000543.4(SMPD1):c.442T>C(W148R) is a missense variant classified as a variant of uncertain significance in the context of Niemann-Pick disease, SMPD1-related. W148R has been observed in a case with relevant disease (PMID: 35614200). Relevant functional assessments of this variant are not available in the literature. W148R has not been observed in referenced population frequency databases. In summary, there is insufficient evidence to classify NM_000543.4(SMPD1):c.442T>C(W148R) as pathogenic or benign. Please note: this variant was assessed in the context of healthy population screening.

Women's Health and Genetics/Laboratory Corporation of America, LabCorp
Classification: Uncertain significance. Last evaluated: 2025-04-15. Review status: criteria provided, single submitter. Criteria: LabCorp Variant Classification Summary - May 2015. Collection method: clinical testing. Allele origin: germline.
Comment: Variant summary: SMPD1 c.442T>C (p.Trp148Arg) results in a non-conservative amino acid change in the encoded protein sequence. Five of five in-silico tools predict a damaging effect of the variant on protein function. The variant was absent in 251184 control chromosomes. The available data on variant occurrences in the general population are insufficient to allow any conclusion about variant significance. c.442T>C has been observed in at least one individual affected with Niemann-Pick Disease (Almeida_2022). This report does not provide unequivocal conclusions about association of the variant with Niemann-Pick Disease. The following publication has been ascertained in the context of this evaluation (PMID: 35614200). No submitters have cited clinical-significance assessments for this variant to ClinVar. Based on the evidence outlined above, the variant was classified as uncertain significance.

Literature cited by the submitters: PubMed 35614200 (cited by Myriad Genetics, Inc. and Women's Health and Genetics/Laboratory Corporation of America, LabCorp).